The following is an entry in ClinVar:

NM_000238.4(KCNH2):c.138C>G (p.Asp46Glu)

Gene: KCNH2 (potassium voltage-gated channel subfamily H member 2; minus strand). Cytogenetic location: 7q36.1.
Variant type: single nucleotide variant.
Coding change: c.138C>G on transcript NM_000238.4 (MANE Select); coding-DNA position 138, C replaced by G.
Protein change: p.Asp46Glu; replaces aspartic acid 46 with glutamic acid.
Molecular consequence: missense variant.
Genome position (GRCh38, 1-based): chr7:150,974,880, G>C on the plus strand (C>G on the coding strand, the complement: KCNH2 is on the minus strand). VCF-style: chr7-150974880-G-C. GRCh37 (hg19) VCF-style: chr7-150671968-G-C.
Other names: c.-40C>G (NM_001406755.1); c.138C>G, p.Asp46Glu (NM_172056.3); short protein forms D46E.
Identifiers: ClinVar variation 921751 (VCV000921751.16), dbSNP rs752503743, ClinGen allele CA027854.

ClinVar aggregate classification (germline): Uncertain significance. Review status: criteria provided, multiple submitters, no conflicts (2 of 4 stars). 4 submissions from 4 submitters: Uncertain significance (4). Last evaluated 2025-07-08.

Conditions:
Cardiovascular phenotype. Identifiers: MedGen CN230736.
Cardiac arrhythmia. Also called: Arrhythmia; Cardiac rhythm disease. Identifiers: MedGen C0003811, MONDO:0007263, HP:0011675.
Long QT syndrome (LQTS). Identifiers: MedGen C0023976, MeSH D008133, MONDO:0002442. Disease mechanism: loss of function. Inheritance: Various modes of inheritance.

Allele frequency attached by ClinVar (database versions not stated): gnomAD exomes below 0.00001 and 0.00002; gnomAD 0.00001; TOPMed 0.00001; ExAC 0.00002.
gnomAD v4.1: 8 of 1,611,982 alleles (0.0005%); highest among the groups gnomAD compares: East Asian, 0.016%; no homozygotes.

Submissions (4):

Labcorp Genetics (formerly Invitae), Labcorp
Classification: Uncertain significance for Long QT syndrome. Last evaluated: 2025-07-08. Review status: criteria provided, single submitter. Criteria: Invitae Variant Classification Sherloc (09022015). Collection method: clinical testing. Allele origin: germline.
Comment: This sequence change replaces aspartic acid, which is acidic and polar, with glutamic acid, which is acidic and polar, at codon 46 of the KCNH2 protein (p.Asp46Glu). This variant is present in population databases (rs752503743, gnomAD 0.04%). This variant has not been reported in the literature in individuals affected with KCNH2-related conditions. ClinVar contains an entry for this variant (Variation ID: 921751). An algorithm developed to predict the effect of missense changes on protein structure and function (PolyPhen-2) suggests that this variant is likely to be tolerated. In summary, the available evidence is currently insufficient to determine the role of this variant in disease. Therefore, it has been classified as a Variant of Uncertain Significance.

All of Us Research Program, National Institutes of Health
Classification: Uncertain significance for Long QT syndrome. Last evaluated: 2024-02-05. Review status: criteria provided, single submitter. Criteria: ACMG Guidelines, 2015. Collection method: clinical testing. Allele origin: germline. Inheritance: Autosomal dominant inheritance. Observed: 1 variant allele, 1 heterozygote.
Comment: This missense variant replaces aspartic acid with glutamic acid at codon 46 of the KCNH2 protein. Computational prediction tools indicate that this variant's impact on protein structure and function is inconclusive. This variant is found within a highly conserved N-terminus region (a.a. 1-130). Rare non-truncating variants in this region have been shown to be significantly overrepresented in individuals with long QT syndrome (PMID: 32893267). To our knowledge, functional studies have not been reported for this variant. This variant has been reported in an individual affected with epilepsy (PMID: 31696929). This variant has been identified in 6/244546 chromosomes in the general population by the Genome Aggregation Database (gnomAD). The available evidence is insufficient to determine the role of this variant in disease conclusively. Therefore, this variant is classified as a Variant of Uncertain Significance.

This study involves interpretation of variants in research participants for the purpose of population health screening. Participant phenotype was not available at the time of variant classification. Additional details can be found in publication PMID: 35346344, PMCID: PMC8962531

Color Diagnostics, LLC DBA Color Health
Classification: Uncertain significance for Cardiac arrhythmia. Last evaluated: 2023-11-29. Review status: criteria provided, single submitter. Criteria: ACMG Guidelines, 2015. Collection method: clinical testing. Allele origin: germline.
Comment: This missense variant replaces aspartic acid with glutamic acid at codon 46 of the KCNH2 protein. Computational prediction tools indicate that this variant's impact on protein structure and function is inconclusive. This variant is found within a highly conserved N-terminus region (a.a. 1-130). Rare non-truncating variants in this region have been shown to be significantly overrepresented in individuals with long QT syndrome (PMID: 32893267). To our knowledge, functional studies have not been reported for this variant. This variant has been reported in an individual affected with epilepsy (PMID: 31696929). This variant has been identified in 6/244546 chromosomes in the general population by the Genome Aggregation Database (gnomAD). The available evidence is insufficient to determine the role of this variant in disease conclusively. Therefore, this variant is classified as a Variant of Uncertain Significance.

Ambry Genetics
Classification: Uncertain significance for Cardiovascular phenotype. Last evaluated: 2019-01-16. Review status: criteria provided, single submitter. Criteria: Ambry Variant Classification Scheme 2023. Collection method: clinical testing. Allele origin: germline.
Comment: The p.D46E variant (also known as c.138C>G), located in coding exon 2 of the KCNH2 gene, results from a C to G substitution at nucleotide position 138. The aspartic acid at codon 46 is replaced by glutamic acid, an amino acid with highly similar properties. Another alteration affecting the same amino acid, p.D46Y (c.136G>T), has been reported in association with long QT syndrome (LQTS) (Szperl M et al. J. Appl. Genet., 2018 Nov;59:463-469). This amino acid position is well conserved in available vertebrate species; however, glutamic acid is the reference amino acid in other vertebrate species. In addition, the in silico prediction for this alteration is inconclusive. Since supporting evidence is limited at this time, the clinical significance of this alteration remains unclear.

Literature cited by the submitters: PubMed 31696929 (cited by All of Us Research Program, National Institutes of Health and Color Diagnostics, LLC DBA Color Health); PubMed 32893267 (cited by All of Us Research Program, National Institutes of Health and Color Diagnostics, LLC DBA Color Health); PubMed 30244407 (cited by Ambry Genetics).